The following is an entry in ClinVar:

NM_001164508.2(NEB):c.20752A>C (p.Lys6918Gln)

Gene: NEB (nebulin; minus strand). Cytogenetic location: 2q23.3.
Variant type: single nucleotide variant.
Coding change: c.20752A>C on transcript NM_001164508.2 (MANE Select); coding-DNA position 20752, A replaced by C.
Protein change: p.Lys6918Gln; replaces lysine 6918 with glutamine.
Molecular consequence: missense variant.
Genome position (GRCh38, 1-based): chr2:151,540,732, T>G on the plus strand (A>C on the coding strand, the complement: NEB is on the minus strand). VCF-style: chr2-151540732-T-G. GRCh37 (hg19) VCF-style: chr2-152397246-T-G.
Other names: c.20752A>C, p.Lys6918Gln (NM_001164507.2, NM_001271208.2); c.15649A>C, p.Lys5217Gln (NM_004543.5); short protein forms K5217Q, K6918Q.
Identifiers: ClinVar variation 1720564 (VCV001720564.3), dbSNP rs2552156705, ClinGen allele CA348777579.

ClinVar aggregate classification (germline): Uncertain significance (1 of 4 stars; one submission).

Conditions:
Nemaline myopathy 2 (NEM2). Also called: Nemaline myopathy 2, autosomal recessive. Identifiers: MedGen C1850569, MONDO:0009725, OMIM 256030.

Submission:

Labcorp Genetics (formerly Invitae), Labcorp
Classification: Uncertain significance for Nemaline myopathy 2. Last evaluated: 2022-09-28. Review status: criteria provided, single submitter. Criteria: Invitae Variant Classification Sherloc (09022015). Collection method: clinical testing. Allele origin: germline.
Comment: This sequence change replaces lysine, which is basic and polar, with glutamine, which is neutral and polar, at codon 6918 of the NEB protein (p.Lys6918Gln). This variant is not present in population databases (gnomAD no frequency). This variant has not been reported in the literature in individuals affected with NEB-related conditions. Algorithms developed to predict the effect of missense changes on protein structure and function output the following: SIFT: "Tolerated"; PolyPhen-2: "Not Available"; Align-GVGD: "Class C0". The glutamine amino acid residue is found in multiple mammalian species, which suggests that this missense change does not adversely affect protein function. In summary, the available evidence is currently insufficient to determine the role of this variant in disease. Therefore, it has been classified as a Variant of Uncertain Significance.